The following is an entry in ClinVar:

NM_016247.4(IMPG2):c.*1954G>A

Gene: IMPG2 (interphotoreceptor matrix proteoglycan 2; minus strand). Cytogenetic location: 3q12.3.
Variant type: single nucleotide variant.
Coding change: c.*1954G>A on transcript NM_016247.4 (MANE Select); 1954 bases downstream of the stop codon, G replaced by A.
Molecular consequence: 3 prime UTR variant.
Genome position (GRCh38, 1-based): chr3:101,225,015, C>T on the plus strand (G>A on the coding strand, the complement: IMPG2 is on the minus strand). VCF-style: chr3-101225015-C-T. GRCh37 (hg19) VCF-style: chr3-100943859-C-T.
Identifiers: ClinVar variation 342298 (VCV000342298.5), dbSNP rs113855688, ClinGen allele CA10614766.
Genomic context (GRCh38, chr3:101,225,015, plus strand): 5'-CTCCTAAGTGTTCTGCATGGTGACCTGCCCTAGAGGGATTTGTGTCCATCTGGAATTCTT[C>T]CAGCAAGCACACATTCAAAGAGTTGCATTCTAAGGTTAATTTGTGATAAAATACACTTTC-3'

ClinVar aggregate classification (germline): Likely benign (1 of 4 stars; one submission).

Conditions:
Retinitis pigmentosa (RP). Identifiers: Orphanet 791, MedGen C0035334, MeSH D012174, MONDO:0019200, OMIM 268000. Inheritance: Autosomal dominant, autosomal recessive and X linked inheritance.

Allele frequency attached by ClinVar (database versions not stated): 1000 Genomes Project 0.02476; gnomAD 0.02645 and 0.02856; 1000 Genomes Project 30x 0.02748; TOPMed 0.02937; gnomAD exomes 0.25000.
gnomAD v4.1: 3,990 of 152,250 alleles (2.6%); highest among the groups gnomAD compares: African/African-American, 9.1%; 171 homozygotes.

Submission:

Illumina Laboratory Services, Illumina
Classification: Likely benign for Retinitis pigmentosa. Last evaluated: 2018-01-13. Review status: criteria provided, single submitter. Criteria: ICSL Variant Classification Criteria 13 December 2019. Collection method: clinical testing. Allele origin: germline.
Comment: This variant was observed in the ICSL laboratory as part of a predisposition screen in an ostensibly healthy population. It had not been previously curated by ICSL or reported in the Human Gene Mutation Database (HGMD: prior to June 1st, 2018), and was therefore a candidate for classification through an automated scoring system. Utilizing variant allele frequency, disease prevalence and penetrance estimates, and inheritance mode, an automated score was calculated to assess if this variant is too frequent to cause the disease. Based on the score and internal cut-off values, a variant classified as likely benign is not then subjected to further curation. The score for this variant resulted in a classification of likely benign for this disease.